The following is an entry in ClinVar:

ClinVar aggregate classification (germline): Uncertain significance (1 of 4 stars; one submission).

gnomAD v4.1: 1 of 1,614,208 alleles (0.000062%); highest among the groups gnomAD compares: Non-Finnish European, 0.000085%; no homozygotes.

Submission:

Labcorp Genetics (formerly Invitae), Labcorp
Classification: Uncertain significance. Last evaluated: 2024-06-03. Review status: criteria provided, single submitter. Criteria: Invitae Variant Classification Sherloc (09022015). Collection method: clinical testing. Allele origin: germline.
Comment: This sequence change replaces proline, which is neutral and non-polar, with serine, which is neutral and polar, at codon 393 of the IRF2BP2 protein (p.Pro393Ser). This variant is not present in population databases (gnomAD no frequency). This variant has not been reported in the literature in individuals affected with IRF2BP2-related conditions. An algorithm developed to predict the effect of missense changes on protein structure and function (PolyPhen-2) suggests that this variant is likely to be disruptive. In summary, the available evidence is currently insufficient to determine the role of this variant in disease. Therefore, it has been classified as a Variant of Uncertain Significance.

NM_182972.3(IRF2BP2):c.1177C>T (p.Pro393Ser)

Gene: IRF2BP2 (interferon regulatory factor 2 binding protein 2; minus strand). Cytogenetic location: 1q42.3.
Variant type: single nucleotide variant.
Coding change: c.1177C>T on transcript NM_182972.3 (MANE Select); coding-DNA position 1177, C replaced by T.
Protein change: p.Pro393Ser; replaces proline 393 with serine.
Molecular consequence: missense variant.
Genome position (GRCh38, 1-based): chr1:234,607,724, G>A on the plus strand (C>T on the coding strand, the complement: IRF2BP2 is on the minus strand). VCF-style: chr1-234607724-G-A. GRCh37 (hg19) VCF-style: chr1-234743470-G-A.
Other names: c.1129C>T, p.Pro377Ser (NM_001077397.1); short protein forms P393S, P377S.
Identifiers: ClinVar variation 3684050 (VCV003684050.2).